The following is an entry in ClinVar:

ClinVar aggregate classification (germline): Uncertain significance. Review status: criteria provided, multiple submitters, no conflicts (2 of 4 stars). 3 submissions from 3 submitters: Uncertain significance (3). Last evaluated 2024-06-15.

Conditions:
Hypertrophic cardiomyopathy 2. Also called: TNNT2-Related Familial Hypertrophic Cardiomyopathy. Identifiers: MedGen C1861864, MONDO:0007266, OMIM 115195.
Dilated cardiomyopathy 1D. Identifiers: Orphanet 154, Orphanet 54260, MedGen C1832243, MONDO:0011095, OMIM 601494.
Cardiomyopathy, familial restrictive, 3. Identifiers: Orphanet 75249, MedGen C2676271, MONDO:0012900, OMIM 612422.
Cardiomyopathy (CMYO). Also called: Cardiomyopathies. Identifiers: Orphanet 167848, MedGen C0878544, MONDO:0004994, HP:0001638. Inheritance: Various modes of inheritance.

Submissions (3):

Labcorp Genetics (formerly Invitae), Labcorp
Classification: Uncertain significance for Cardiomyopathy, familial restrictive, 3; Hypertrophic cardiomyopathy 2; Dilated cardiomyopathy 1D. Last evaluated: 2024-06-15. Review status: criteria provided, single submitter. Criteria: Invitae Variant Classification Sherloc (09022015). Collection method: clinical testing. Allele origin: germline.
Comment: This sequence change replaces lysine, which is basic and polar, with asparagine, which is neutral and polar, at codon 217 of the TNNT2 protein (p.Lys217Asn). This variant is not present in population databases (gnomAD no frequency). This missense change has been observed in individual(s) with hypertrophic cardiomyopathy (Invitae). Advanced modeling of protein sequence and biophysical properties (such as structural, functional, and spatial information, amino acid conservation, physicochemical variation, residue mobility, and thermodynamic stability) performed at Invitae indicates that this missense variant is expected to disrupt TNNT2 protein function with a positive predictive value of 95%. In summary, the available evidence is currently insufficient to determine the role of this variant in disease. Therefore, it has been classified as a Variant of Uncertain Significance.

All of Us Research Program, National Institutes of Health
Classification: Uncertain significance for Cardiomyopathy. Last evaluated: 2023-09-17. Review status: criteria provided, single submitter. Criteria: ACMG Guidelines, 2015. Collection method: clinical testing. Allele origin: germline. Inheritance: Autosomal dominant inheritance. Observed: 3 variant alleles, 3 heterozygotes.
Comment: This missense variant replaces lysine with asparagine at codon 217 of the TNNT2 protein. Computational prediction suggests that this variant may have a deleterious impact on protein structure and function (internally defined REVEL score threshold >= 0.7, PMID: 27666373). To our knowledge, functional studies have not been reported for this variant. This variant has been reported in an individual affected with dilated cardiomyopathy (PMID: 32659924). This variant has not been identified in the general population by the Genome Aggregation Database (gnomAD). The available evidence is insufficient to determine the role of this variant in disease conclusively. Therefore, this variant is classified as a Variant of Uncertain Significance.

This study involves interpretation of variants in research participants for the purpose of population health screening. Participant phenotype was not available at the time of variant classification. Additional details can be found in publication PMID: 35346344, PMCID: PMC8962531

Color Diagnostics, LLC DBA Color Health
Classification: Uncertain significance for Cardiomyopathy. Last evaluated: 2023-04-05. Review status: criteria provided, single submitter. Criteria: ACMG Guidelines, 2015. Collection method: clinical testing. Allele origin: germline.
Comment: This missense variant replaces lysine with asparagine at codon 217 of the TNNT2 protein. Computational prediction suggests that this variant may have a deleterious impact on protein structure and function (internally defined REVEL score threshold >= 0.7, PMID: 27666373). To our knowledge, functional studies have not been reported for this variant. This variant has been reported in an individual affected with dilated cardiomyopathy (PMID: 32659924). This variant has not been identified in the general population by the Genome Aggregation Database (gnomAD). The available evidence is insufficient to determine the role of this variant in disease conclusively. Therefore, this variant is classified as a Variant of Uncertain Significance.

Literature cited by the submitters: PubMed 32659924 (cited by All of Us Research Program, National Institutes of Health and Color Diagnostics, LLC DBA Color Health).

NM_001276345.2(TNNT2):c.681G>T (p.Lys227Asn)

Gene: TNNT2 (troponin T2, cardiac type; minus strand). Cytogenetic location: 1q32.1.
Variant type: single nucleotide variant.
Coding change: c.681G>T on transcript NM_001276345.2 (MANE Select); coding-DNA position 681, G replaced by T.
Protein change: p.Lys227Asn; replaces lysine 227 with asparagine.
Molecular consequence: missense variant.
Genome position (GRCh38, 1-based): chr1:201,361,951, C>A on the plus strand (G>T on the coding strand, the complement: TNNT2 is on the minus strand). VCF-style: chr1-201361951-C-A. GRCh37 (hg19) VCF-style: chr1-201331079-C-A.
Other names: c.672G>T, p.Lys224Asn (NM_000364.4, NM_001406723.1); c.651G>T, p.Lys217Asn (NM_001001430.3, NM_001276347.2, NM_001406724.1); c.642G>T, p.Lys214Asn (NM_001001431.3, NM_001406726.1, NM_001406727.1); c.633G>T, p.Lys211Asn (NM_001001432.3); c.552G>T, p.Lys184Asn (NM_001276346.2); c.648G>T, p.Lys216Asn (NM_001406725.1); c.636G>T, p.Lys212Asn (NM_001406728.1); short protein forms K184N, K211N, K212N, K214N, K216N, K217N, K224N, K227N.
Identifiers: ClinVar variation 3070859 (VCV003070859.4), dbSNP rs2102234206, ClinGen allele CA344203655.